The following is an entry in ClinVar:

ClinVar aggregate classification (germline): Benign. Review status: criteria provided, single submitter (1 of 4 stars). 2 submissions from 2 submitters: Benign (1). 1 of the submissions does not count toward it. Last evaluated 2019-12-31.

Conditions:
TOP1-related disorder. Also called: TOP1-related condition.

Allele frequency attached by ClinVar (database versions not stated): 1000 Genomes Project 0.00040; 1000 Genomes Project 30x 0.00047; TOPMed 0.00098; ESP Exome Variant Server 0.00100; gnomAD 0.00165 and 0.00177; gnomAD exomes 0.00174 and 0.00241; ExAC 0.00176.
gnomAD v4.1: 3,610 of 1,570,354 alleles (0.23%); highest among the groups gnomAD compares: Non-Finnish European, 0.26%; 6 homozygotes.

Submissions (2):

Labcorp Genetics (formerly Invitae), Labcorp
Classification: Benign. Last evaluated: 2019-12-31. Review status: criteria provided, single submitter. Criteria: Invitae Variant Classification Sherloc (09022015). Collection method: clinical testing. Allele origin: germline.

PreventionGenetics, part of Exact Sciences
Classification: Benign for TOP1-related condition. Last evaluated: 2020-09-21. Review status: no assertion criteria provided. Collection method: clinical testing. Allele origin: germline. Not counted in ClinVar's aggregate classification.
Comment: This variant is classified as benign based on ACMG/AMP sequence variant interpretation guidelines (Richards et al. 2015 PMID: 25741868, with internal and published modifications).

NM_003286.4(TOP1):c.594A>G (p.Glu198=)

Gene: TOP1 (DNA topoisomerase I; plus strand). Cytogenetic location: 20q12.
Variant type: single nucleotide variant.
Coding change: c.594A>G on transcript NM_003286.4 (MANE Select); coding-DNA position 594, A replaced by G.
Protein change: p.Glu198=; no amino-acid change (glutamic acid 198 retained).
Molecular consequence: synonymous variant.
Genome position (GRCh38, 1-based): chr20:41,084,548, A>G. VCF-style: chr20-41084548-A-G. GRCh37 (hg19) VCF-style: chr20-39713188-A-G.
Other names: c.594A>G (NM_003286.3).
Identifiers: ClinVar variation 713745 (VCV000713745.6), dbSNP rs61756256, ClinGen allele CA9858078.